The following is an entry in ClinVar:

ClinVar aggregate classification (germline): Uncertain significance (1 of 4 stars; one submission).

Submission:

GeneDx
Classification: Uncertain significance. Last evaluated: 2024-07-08. Review status: criteria provided, single submitter. Criteria: GeneDx Variant Classification Process June 2021. Collection method: clinical testing. Allele origin: germline. Affected: yes.
Comment: Not observed at significant frequency in large population cohorts (gnomAD); In silico analysis supports that this missense variant has a deleterious effect on protein structure/function; Has not been previously published as pathogenic or benign to our knowledge

NM_002074.5(GNB1):c.815G>T (p.Gly272Val)

Gene: GNB1 (G protein subunit beta 1; minus strand). Cytogenetic location: 1p36.33.
Variant type: single nucleotide variant.
Coding change: c.815G>T on transcript NM_002074.5 (MANE Select); coding-DNA position 815, G replaced by T.
Protein change: p.Gly272Val; replaces glycine 272 with valine.
Molecular consequence: missense variant.
Genome position (GRCh38, 1-based): chr1:1,789,154, C>A on the plus strand (G>T on the coding strand, the complement: GNB1 is on the minus strand). VCF-style: chr1-1789154-C-A. GRCh37 (hg19) VCF-style: chr1-1720593-C-A.
Other names: c.515G>T, p.Gly172Val (NM_001282538.2); c.815G>T, p.Gly272Val (NM_001282539.2); short protein forms G172V, G272V.
Identifiers: ClinVar variation 3252438 (VCV003252438.1), dbSNP rs2522187384.
Genomic context (GRCh38, chr1:1,789,154, plus strand): 5'-AAGTCGTCGTACCCAGCAAGGAGGAGGCGCCCGCTCTTGGAGAAGGAGACAGAGGTGATC[C>A]CGCAGATGATGTTGTCATGGGAGTAAGTCATGAGCTCCTGGTCAGCACGAAGGTCAAACA-3'
Protein context (NP_002065.1, residues 262-282): MTYSHDNIIC[Gly272Val]ITSVSFSKSG